The following is an entry in ClinVar:

NM_022765.4(MICAL1):c.2469del (p.Asp824fs)

Gene: MICAL1 (microtubule associated monooxygenase, calponin and LIM domain containing 1; minus strand). Cytogenetic location: 6q21.
Variant type: Deletion.
Coding change: c.2469del on transcript NM_022765.4 (MANE Select); coding-DNA position 2469, one base deleted (T; older notation c.2469delT).
Protein change: p.Asp824fs; shifts the reading frame from aspartic acid 824.
Molecular consequence: frameshift variant.
Genome position (GRCh38, 1-based): chr6:109,446,248, A deleted on the plus strand (T on the coding strand, the reverse complement: MICAL1 is on the minus strand). VCF-style (leftmost placement, unchanged base first): chr6-109446247-CA-C. GRCh37 (hg19) VCF-style: chr6-109767450-CA-C.
Other names: c.2211del, p.Asp738fs (NM_001159291.2); c.2526del, p.Asp843fs (NM_001286613.2); short protein forms D824fs, D738fs, D843fs.
Identifiers: ClinVar variation 1966068 (VCV001966068.5), dbSNP rs1775209553, ClinGen allele CA2497170634.

ClinVar aggregate classification (germline): Uncertain significance (1 of 4 stars; one submission).

Allele frequency attached by ClinVar (database versions not stated): gnomAD exomes below 0.00001; TOPMed below 0.00001.

Submission:

Labcorp Genetics (formerly Invitae), Labcorp
Classification: Uncertain significance. Last evaluated: 2023-06-15. Review status: criteria provided, single submitter. Criteria: Invitae Variant Classification Sherloc (09022015). Collection method: clinical testing. Allele origin: germline.
Comment: This sequence change creates a premature translational stop signal (p.Asp843Thrfs*80) in the MICAL1 gene. It is expected to result in an absent or disrupted protein product. However, the current clinical and genetic evidence is not sufficient to establish whether loss-of-function variants in MICAL1 cause disease. This variant is not present in population databases (gnomAD no frequency). This variant has not been reported in the literature in individuals affected with MICAL1-related conditions. ClinVar contains an entry for this variant (Variation ID: 1966068). In summary, the available evidence is currently insufficient to determine the role of this variant in disease. Therefore, it has been classified as a Variant of Uncertain Significance.